The following is an entry in ClinVar:

NM_016616.5(NME8):c.1007G>A (p.Arg336His)

Gene: NME8 (NME/NM23 family member 8; plus strand). Cytogenetic location: 7p14.1.
Variant type: single nucleotide variant.
Coding change: c.1007G>A on transcript NM_016616.5 (MANE Select); coding-DNA position 1007, G replaced by A.
Protein change: p.Arg336His; replaces arginine 336 with histidine.
Molecular consequence: missense variant.
Genome position (GRCh38, 1-based): chr7:37,884,315, G>A. VCF-style: chr7-37884315-G-A. GRCh37 (hg19) VCF-style: chr7-37923917-G-A.
Other names: short protein forms R336H.
Identifiers: ClinVar variation 226853 (VCV000226853.23), dbSNP rs62001869, ClinGen allele CA4222404.

ClinVar aggregate classification (germline): Benign/Likely benign. Review status: criteria provided, multiple submitters, no conflicts (2 of 4 stars). 7 submissions from 7 submitters: Benign (6); Likely benign (1). Last evaluated 2026-02-03.

Conditions:
Primary ciliary dyskinesia. Also called: Ciliary dyskinesia. Identifiers: Orphanet 244, MedGen C0008780, MONDO:0016575, HP:0012265.
Primary ciliary dyskinesia 6. Also called: Primary Ciliary Dyskinesia 6: TXNDC3-Related Primary Ciliary Dyskinesia. Identifiers: Orphanet 244, MedGen C1970506, MONDO:0012571, OMIM 610852.

Allele frequency attached by ClinVar (database versions not stated): 1000 Genomes Project 0.02137; 1000 Genomes Project 30x 0.02186; TOPMed 0.02496; ESP Exome Variant Server 0.02547.

Submissions (7):

Labcorp Genetics (formerly Invitae), Labcorp
Classification: Benign for Primary ciliary dyskinesia 6. Last evaluated: 2026-02-03. Review status: criteria provided, single submitter. Criteria: Invitae Variant Classification Sherloc (09022015). Collection method: clinical testing. Allele origin: germline.

ARUP Laboratories, Molecular Genetics and Genomics, ARUP Laboratories
Classification: Benign for Primary ciliary dyskinesia 6. Last evaluated: 2025-03-10. Review status: criteria provided, single submitter. Criteria: ARUP Molecular Germline Variant Investigation Process 2024. Collection method: clinical testing. Allele origin: germline.

Blueprint Genetics
Classification: Likely benign. Last evaluated: 2024-11-27. Review status: criteria provided, single submitter. Criteria: ACMG Guidelines, 2015. Collection method: clinical testing. Allele origin: germline.

GeneDx
Classification: Benign. Last evaluated: 2019-01-10. Review status: criteria provided, single submitter. Criteria: GeneDx Variant Classification Process June 2021. Collection method: clinical testing. Allele origin: germline. Affected: yes.
Comment: This variant is associated with the following publications: (PMID: 29177109)

Ambry Genetics
Classification: Benign for Primary ciliary dyskinesia. Last evaluated: 2014-12-28. Review status: criteria provided, single submitter. Criteria: Ambry Variant Classification Scheme 2023. Collection method: clinical testing. Allele origin: germline.

Laboratory for Molecular Medicine, Mass General Brigham Personalized Medicine
Classification: Benign. Last evaluated: 2013-02-21. Review status: criteria provided, single submitter. Criteria: LMM Criteria. Collection method: clinical testing. Allele origin: germline. Observed: 2 variant alleles.
Comment: Arg336His in exon 13 of TXNDC3: This variant is not expected to have clinical si gnificance because it has been identified in 4.4% (196/4406) of African American chromosomes from a broad population by the NHLBI Exome Sequencing Project (dbSNP rs62001869).

PreventionGenetics, part of Exact Sciences
Classification: Benign. Review status: criteria provided, single submitter. Criteria: ACMG Guidelines, 2015. Collection method: clinical testing. Allele origin: germline.